The following is an entry in ClinVar:

NM_194277.3(FRMD7):c.213G>A (p.Lys71=)

Gene: FRMD7 (FERM domain containing 7; minus strand). Cytogenetic location: Xq26.2.
Variant type: single nucleotide variant.
Coding change: c.213G>A on transcript NM_194277.3 (MANE Select); coding-DNA position 213, G replaced by A.
Protein change: p.Lys71=; no amino-acid change (lysine 71 retained).
Molecular consequence: synonymous variant. On other transcripts: intron variant (1).
Genome position (GRCh38, 1-based): chrX:132,097,337, C>T on the plus strand (G>A on the coding strand, the complement: FRMD7 is on the minus strand). VCF-style: chrX-132097337-C-T. GRCh37 (hg19) VCF-style: chrX-131231365-C-T.
Other names: c.206-38G>A (NM_001306193.2).
Identifiers: ClinVar variation 3343629 (VCV003343629.1).

ClinVar aggregate classification (germline): Uncertain significance (1 of 4 stars; one submission).

Submission:

GeneDx
Classification: Uncertain significance. Last evaluated: 2023-05-17. Review status: criteria provided, single submitter. Criteria: GeneDx Variant Classification Process June 2021. Collection method: clinical testing. Allele origin: germline. Affected: yes.
Comment: Not observed at significant frequency in large population cohorts (gnomAD); In silico analysis is inconclusive as to whether the variant alters gene splicing; in the absence of RNA/functional studies, the actual effect of this sequence change is unknown; Has not been previously published as pathogenic or benign to our knowledge